The following is an entry in ClinVar:

NM_000297.4(PKD2):c.843+3A>G

Gene: PKD2 (polycystin 2, transient receptor potential cation channel; plus strand). Cytogenetic location: 4q22.1.
Variant type: single nucleotide variant.
Coding change: c.843+3A>G on transcript NM_000297.4 (MANE Select); 3 bases into the intron after coding-DNA position 843, A replaced by G.
Molecular consequence: intron variant.
Genome position (GRCh38, 1-based): chr4:88,036,356, A>G. VCF-style: chr4-88036356-A-G. GRCh37 (hg19) VCF-style: chr4-88957508-A-G.
Identifiers: ClinVar variation 3066387 (VCV003066387.2), dbSNP rs2475896264, ClinGen allele CA2740097802.

ClinVar aggregate classification (germline): Uncertain significance. Review status: criteria provided, multiple submitters, no conflicts (2 of 4 stars). 2 submissions from 2 submitters: Uncertain significance (2). Last evaluated 2024-10-14.

Conditions:
Polycystic kidney disease 2 (PKD2). Also called: POLYCYSTIC KIDNEY DISEASE, ADULT, TYPE II; POLYCYSTIC KIDNEY DISEASE 2 WITH OR WITHOUT POLYCYSTIC LIVER DISEASE; Polycystic Kidney Disease 2, Autosomal Dominant. Identifiers: MedGen C2751306, MONDO:0013131, OMIM 613095.

Submissions (2):

GeneDx
Classification: Uncertain significance. Last evaluated: 2024-10-14. Review status: criteria provided, single submitter. Criteria: GeneDx Variant Classification Process June 2021. Collection method: clinical testing. Allele origin: germline. Affected: yes.
Comment: Not observed at significant frequency in large population cohorts (gnomAD); In silico analysis supports a deleterious effect on splicing; Has not been previously published as pathogenic or benign to our knowledge; This variant is associated with the following publications: (PMID: 39200828)

MVZ Medizinische Genetik Mainz
Classification: Uncertain significance for Polycystic kidney disease 2. Last evaluated: 2023-01-06. Review status: criteria provided, single submitter. Criteria: UK Practice Guidelines For Variant Classification V4 01 2020. Collection method: clinical testing. Allele origin: germline. Inheritance: Autosomal dominant inheritance. Affected: yes. Observed: 1 variant allele.
Comment: ACMG Criteria: PS4_SUP, PM2_SUP, PP3, PP4 (ACMG Version 4)